The following is an entry in ClinVar:

NM_003802.3(MYH13):c.349-9T>C

Gene: MYH13 (myosin heavy chain 13; minus strand). Cytogenetic location: 17p13.1.
Variant type: single nucleotide variant.
Coding change: c.349-9T>C on transcript NM_003802.3 (MANE Select); 9 bases into the intron before coding-DNA position 349, T replaced by C.
Molecular consequence: intron variant.
Genome position (GRCh38, 1-based): chr17:10,362,283, A>G on the plus strand (T>C on the coding strand, the complement: MYH13 is on the minus strand). VCF-style: chr17-10362283-A-G. GRCh37 (hg19) VCF-style: chr17-10265600-A-G.
Identifiers: ClinVar variation 3031787 (VCV003031787.2), dbSNP rs745387997, ClinGen allele CA8386789.

ClinVar aggregate classification (germline): Likely benign (0 of 4 stars; one submission).

Conditions:
MYH13-related disorder. Also called: MYH13-related condition.

Allele frequency attached by ClinVar (database versions not stated): ExAC 0.00002; gnomAD 0.00002; gnomAD exomes 0.00002; TOPMed 0.00003.
gnomAD v4.1: 29 of 1,613,768 alleles (0.0018%); highest among the groups gnomAD compares: Non-Finnish European, 0.0024%; no homozygotes.

Submission:

PreventionGenetics, part of Exact Sciences
Classification: Likely benign for MYH13-related condition. Last evaluated: 2022-03-15. Review status: no assertion criteria provided. Collection method: clinical testing. Allele origin: germline.
Comment: This variant is classified as likely benign based on ACMG/AMP sequence variant interpretation guidelines (Richards et al. 2015 PMID: 25741868, with internal and published modifications).